The following is an entry in ClinVar:

ClinVar aggregate classification (germline): Uncertain significance. Review status: criteria provided, multiple submitters, no conflicts (2 of 4 stars). 2 submissions from 2 submitters: Uncertain significance (2). Last evaluated 2025-12-17.

Conditions:
Brittle cornea syndrome 1 (BCS1). Also called: DYSGENESIS MESODERMALIS CORNEAE ET SCLERAE; Corneal fragility keratoglobus, blue sclerae AND joint hypermobility; CORNEAL FRAGILITY, KERATOGLOBUS, BLUE SCLERAE, JOINT HYPEREXTENSIBILITY; EDS6B; FRAGILITAS OCULI WITH JOINT HYPEREXTENSIBILITY. Identifiers: Orphanet 90354, MedGen C0268344, MONDO:0024543, OMIM 229200.

Allele frequency attached by ClinVar (database versions not stated): TOPMed below 0.00001; gnomAD 0.00003; gnomAD exomes 0.00005 and 0.00012; ExAC 0.00019.
gnomAD v4.1: 73 of 1,549,832 alleles (0.0047%); highest among the groups gnomAD compares: South Asian, 0.083%; 1 homozygote.

Submissions (2):

Labcorp Genetics (formerly Invitae), Labcorp
Classification: Uncertain significance. Last evaluated: 2025-12-17. Review status: criteria provided, single submitter. Criteria: Invitae Variant Classification Sherloc (09022015). Collection method: clinical testing. Allele origin: germline.
Comment: This sequence change replaces serine, which is neutral and polar, with threonine, which is neutral and polar, at codon 3652 of the ZNF469 protein (p.Ser3652Thr). This variant is present in population databases (rs746733236, gnomAD 0.07%). This variant has not been reported in the literature in individuals affected with ZNF469-related conditions. ClinVar contains an entry for this variant (Variation ID: 1524095). An algorithm developed to predict the effect of missense changes on protein structure and function (PolyPhen-2) suggests that this variant is likely to be disruptive. In summary, the available evidence is currently insufficient to determine the role of this variant in disease. Therefore, it has been classified as a Variant of Uncertain Significance.

Revvity Omics, Revvity
Classification: Uncertain significance for Brittle cornea syndrome 1. Last evaluated: 2022-01-11. Review status: criteria provided, single submitter. Criteria: ACMG Guidelines, 2015. Collection method: clinical testing. Allele origin: germline.

NM_001367624.2(ZNF469):c.11038T>A (p.Ser3680Thr)

Gene: ZNF469 (zinc finger protein 469; plus strand). Cytogenetic location: 16q24.2.
Variant type: single nucleotide variant.
Coding change: c.11038T>A on transcript NM_001367624.2 (MANE Select); coding-DNA position 11038, T replaced by A.
Protein change: p.Ser3680Thr; replaces serine 3680 with threonine.
Molecular consequence: missense variant.
Genome position (GRCh38, 1-based): chr16:88,438,508, T>A. VCF-style: chr16-88438508-T-A. GRCh37 (hg19) VCF-style: chr16-88504916-T-A.
Other names: short protein forms S3680T.
Identifiers: ClinVar variation 1524095 (VCV001524095.6), dbSNP rs746733236, ClinGen allele CA8225573.